The following is an entry in ClinVar:

ClinVar aggregate classification (germline): Likely pathogenic (1 of 4 stars; one submission).

Conditions:
Nemaline myopathy 9 (NEM9). Identifiers: MedGen C3810384, MONDO:0014326, OMIM 615731.

Submission:

Labcorp Genetics (formerly Invitae), Labcorp
Classification: Likely pathogenic for Nemaline myopathy 9. Last evaluated: 2025-06-09. Review status: criteria provided, single submitter. Criteria: Invitae Variant Classification Sherloc (09022015). Collection method: clinical testing. Allele origin: germline.
Comment: This variant results in the deletion of part of exon 4 (c.1561_1562+2del) of the KLHL41 gene. It is expected to disrupt RNA splicing. Variants that disrupt the donor or acceptor splice site typically lead to a loss of protein function (PMID: 16199547), and loss-of-function variants in KLHL41 are known to be pathogenic (PMID: 24268659). This variant is present in population databases (no rsID available, gnomAD 0.0009%). This variant has not been reported in the literature in individuals affected with KLHL41-related conditions. ClinVar contains an entry for this variant (Variation ID: 2873424). In summary, the currently available evidence indicates that the variant is pathogenic, but additional data are needed to prove that conclusively. Therefore, this variant has been classified as Likely Pathogenic.

Literature cited by the submitters: PubMed 16199547; PubMed 24268659.

NM_006063.3(KLHL41):c.1561_1562+2del

Gene: KLHL41 (kelch like family member 41; plus strand). Cytogenetic location: 2q31.1.
Variant type: Deletion.
Coding change: c.1561_1562+2del on transcript NM_006063.3 (MANE Select); coding-DNA position 1561 through the canonical splice donor site of the intron after coding-DNA position 1562, 4 bases deleted (AAGT; older notation c.1561_1562+2delAAGT).
Molecular consequence: splice donor variant.
Genome position (GRCh38, 1-based): chr2:169,518,374-169,518,377, AAGT deleted; deleting any 4 consecutive bases within chr2:169,518,373-169,518,377 gives the same sequence; the c. name uses the placement nearest the transcript's 3' end. VCF-style (leftmost placement, unchanged base first): chr2-169518372-ATAAG-A. GRCh37 (hg19) VCF-style: chr2-170374882-ATAAG-A.
Identifiers: ClinVar variation 2873424 (VCV002873424.3), dbSNP rs1364684686, ClinGen allele CA537972207.